The following is an entry in ClinVar:

NM_000135.4(FANCA):c.44_69del (p.Pro15fs)

Genes: FANCA (FA complementation group A; minus strand), LOC112486223 (Sharpr-MPRA regulatory region 3988; plus strand). Cytogenetic location: 16q24.3.
Variant type: Deletion.
Coding change: c.44_69del on transcript NM_000135.4 (MANE Select); coding-DNA positions 44 to 69, 26 bases deleted (CAGGGGGCCGCCGGAGGGCCTGGGCC).
Protein change: p.Pro15fs; shifts the reading frame from proline 15.
Molecular consequence: frameshift variant.
Genome position (GRCh38, 1-based): chr16:89,816,547-89,816,572, GGCCCAGGCCCTCCGGCGGCCCCCTG deleted on the plus strand (CAGGGGGCCGCCGGAGGGCCTGGGCC on the coding strand, the reverse complement: FANCA is on the minus strand); deleting any 26 consecutive bases within chr16:89,816,547-89,816,574 gives the same sequence; the c. name uses the placement nearest the transcript's 3' end. VCF-style (leftmost placement, unchanged base first): chr16-89816546-CGGCCCAGGCCCTCCGGCGGCCCCCTG-C. GRCh37 (hg19) VCF-style: chr16-89882954-CGGCCCAGGCCCTCCGGCGGCCCCCTG-C.
Other names: c.44_69del, p.Pro15fs (NM_001018112.3, NM_001286167.3, NM_001351830.2); short protein forms P15fs.
Identifiers: ClinVar variation 974276 (VCV000974276.5), dbSNP rs2041137887, ClinGen allele CA1139664999.

ClinVar aggregate classification (germline): Pathogenic. Review status: criteria provided, multiple submitters, no conflicts (2 of 4 stars). 3 submissions from 3 submitters: Pathogenic (2). 1 of the submissions does not count toward it. Last evaluated 2026-05-14.

Conditions:
Fanconi anemia (FA). Also called: Fanconi's anemia. Identifiers: Orphanet 84, MedGen C0015625, MeSH D005199, MONDO:0019391.
Fanconi anemia complementation group A (FANCA). Also called: FANCA-Related Fanconi Anemia; Fanconi anemia, group A. Identifiers: Orphanet 84, MedGen C3469521, MONDO:0009215, OMIM 227650.

Submissions (3):

Myriad Genetics, Inc.
Classification: Pathogenic for Fanconi anemia complementation group A. Last evaluated: 2026-05-14. Review status: criteria provided, single submitter. Criteria: Myriad Autosomal Dominant, Autosomal Recessive and X-Linked Classification Criteria (2023). Collection method: clinical testing. Allele origin: unknown.
Comment: NM_000135.2(FANCA):c.44_69del26(P15Rfs*13) is a frameshift variant classified as pathogenic in the context of Fanconi anemia complementation group A. P15Rfs*13 has been observed in cases with relevant disease (PMID: 19367192, 30792206, 15643609). Relevant functional assessments of this variant are not available in the literature. P15Rfs*13 has not been observed in referenced population frequency databases. In summary, NM_000135.2(FANCA):c.44_69del26(P15Rfs*13) is a frameshift variant that has been observed more frequently in cases with the relevant disease than in healthy populations. Please note: this variant was assessed in the context of healthy population screening.

Labcorp Genetics (formerly Invitae), Labcorp
Classification: Pathogenic for Fanconi anemia. Last evaluated: 2023-03-25. Review status: criteria provided, single submitter. Criteria: Invitae Variant Classification Sherloc (09022015). Collection method: clinical testing. Allele origin: germline.
Comment: ClinVar contains an entry for this variant (Variation ID: 974276). This sequence change creates a premature translational stop signal (p.Pro15Argfs*13) in the FANCA gene. It is expected to result in an absent or disrupted protein product. Loss-of-function variants in FANCA are known to be pathogenic (PMID: 19367192). This variant is not present in population databases (gnomAD no frequency). This premature translational stop signal has been observed in individual(s) with Fanconi anemia (Invitae). For these reasons, this variant has been classified as Pathogenic.

Leiden Open Variation Database
Classification: Pathogenic for Fanconi anemia complementation group A. Last evaluated: 2020-02-28. Review status: no assertion criteria provided. Collection method: curation. Allele origin: germline. Affected: yes. Not counted in ClinVar's aggregate classification.
Comment: Curator: Arleen D. Auerbach. Submitters to LOVD: Arleen D. Auerbach, Sue Richards.

Literature cited by the submitters: PubMed 15643609 (cited by Myriad Genetics, Inc.); PubMed 19367192 (cited by Myriad Genetics, Inc. and Labcorp Genetics (formerly Invitae), Labcorp); PubMed 30792206 (cited by Myriad Genetics, Inc.).